The following is an entry in ClinVar:

NM_005228.5(EGFR):c.2072C>G (p.Pro691Arg)

Gene: EGFR (epidermal growth factor receptor; plus strand). Cytogenetic location: 7p11.2.
Variant type: single nucleotide variant.
Coding change: c.2072C>G on transcript NM_005228.5 (MANE Select); coding-DNA position 2072, C replaced by G.
Protein change: p.Pro691Arg; replaces proline 691 with arginine.
Molecular consequence: missense variant.
Genome position (GRCh38, 1-based): chr7:55,173,931, C>G. VCF-style: chr7-55173931-C-G. GRCh37 (hg19) VCF-style: chr7-55241624-C-G.
Other names: c.1937C>G, p.Pro646Arg (NM_001346897.2, NM_001346899.2); c.2072C>G, p.Pro691Arg (NM_001346898.2); c.1913C>G, p.Pro638Arg (NM_001346900.2); c.1271C>G, p.Pro424Arg (NM_001346941.2); short protein forms P691R, P646R, P424R, P638R.
Identifiers: ClinVar variation 3843777 (VCV003843777.1).

ClinVar aggregate classification (germline): Uncertain significance (1 of 4 stars; one submission).

Conditions:
Hereditary cancer-predisposing syndrome. Also called: Hereditary neoplastic syndrome; Neoplastic Syndromes, Hereditary; Tumor predisposition; Hereditary Cancer Syndrome. Identifiers: Orphanet 140162, MedGen C0027672, MeSH D009386, MONDO:0015356.

gnomAD v4.1: 1 of 1,614,130 alleles (0.000062%); highest among the groups gnomAD compares: South Asian, 0.0011%; no homozygotes.

Submission:

Ambry Genetics
Classification: Uncertain significance for Hereditary cancer-predisposing syndrome. Last evaluated: 2024-12-21. Review status: criteria provided, single submitter. Criteria: Ambry Variant Classification Scheme 2023. Collection method: clinical testing. Allele origin: germline.
Comment: The p.P691R variant (also known as c.2072C>G), located in coding exon 18 of the EGFR gene, results from a C to G substitution at nucleotide position 2072. The proline at codon 691 is replaced by arginine, an amino acid with dissimilar properties. This amino acid position is conserved. In addition, this alteration is predicted to be deleterious by in silico analysis. Based on the available evidence, the clinical significance of this variant remains unclear.